The following is an entry in ClinVar:

NM_015272.5(RPGRIP1L):c.2992del (p.Ile998fs)

Gene: RPGRIP1L (RPGRIP1 like; minus strand). Cytogenetic location: 16q12.2.
Variant type: Deletion.
Coding change: c.2992del on transcript NM_015272.5 (MANE Select); coding-DNA position 2992, one base deleted (A; older notation c.2992delA).
Protein change: p.Ile998fs; shifts the reading frame from isoleucine 998.
Molecular consequence: frameshift variant. On other transcripts: intron variant (2).
Genome position (GRCh38, 1-based): chr16:53,638,378, T deleted on the plus strand (A on the coding strand, the reverse complement: RPGRIP1L is on the minus strand); the first of 3 consecutive T bases (chr16:53,638,378-53,638,380); deleting any one gives the same sequence. VCF-style (leftmost placement, unchanged base first): chr16-53638377-AT-A. GRCh37 (hg19) VCF-style: chr16-53672289-AT-A.
Other names: c.2992del, p.Ile998fs (NM_001308334.3); c.2959-524del (NM_001127897.4, NM_001330538.2); short protein forms I998fs.
Identifiers: ClinVar variation 505092 (VCV000505092.5), dbSNP rs767018622, ClinGen allele CA8057389.

ClinVar aggregate classification (germline): Likely pathogenic (1 of 4 stars; one submission).

Conditions:
Joubert syndrome. Also called: CEREBELLOPARENCHYMAL DISORDER IV; JOUBERT-BOLTSHAUSER SYNDROME; Familial aplasia of the vermis. Identifiers: Orphanet 475, MedGen C5979921, MONDO:0018772.

Submission:

Laboratory for Molecular Medicine, Mass General Brigham Personalized Medicine
Classification: Likely pathogenic for Joubert syndrome. Last evaluated: 2016-06-06. Review status: criteria provided, single submitter. Criteria: LMM Criteria. Collection method: clinical testing. Allele origin: germline. Inheritance: Autosomal recessive inheritance. Observed: 1 variant allele.
Comment: The p.Ile998PhefsX5 variant in RPGRIP1L has not been previously reported in the literature. It has been identified in 1/120,760 of chromosomes by the Exome Aggr egation Consortium (ExAC). This variant is predi cted to cause a frameshift, which alters the protein?s amino acid sequence begin ning at position 998 and leads to a premature termination codon 5 amino acids do wnstream. This alteration is then predicted to lead to a truncated or absent pro tein. Complete loss of RPGRIP1L function is an established disease mechanism in RPGRIP1L-related disorders such as Joubert syndrome and Meckel syndrome (Delous 2007). Moreover, Rpgrip1l -/- mice show a similar phenotype to individuals affec ted with these disorders including polydactyly, craniofacial malformations, and left-right symmetry defects (Vierkotten 2007). In summary, although additional studies are required to fully establish its clinical significance, the p.Ile998P hefsX5 variant is likely pathogenic.